The following is an entry in ClinVar:

NM_001093.4(ACACB):c.6943-8G>A

Gene: ACACB (acetyl-CoA carboxylase beta; plus strand). Cytogenetic location: 12q24.11.
Variant type: single nucleotide variant.
Coding change: c.6943-8G>A on transcript NM_001093.4 (MANE Select); 8 bases into the intron before coding-DNA position 6943, G replaced by A.
Molecular consequence: intron variant.
Genome position (GRCh38, 1-based): chr12:109,265,102, G>A. VCF-style: chr12-109265102-G-A. GRCh37 (hg19) VCF-style: chr12-109702907-G-A.
Identifiers: ClinVar variation 708023 (VCV000708023.6), dbSNP rs116145472, ClinGen allele CA6775299.

ClinVar aggregate classification (germline): Benign. Review status: criteria provided, multiple submitters, no conflicts (2 of 4 stars). 3 submissions from 3 submitters: Benign (2). 1 of the submissions does not count toward it. Last evaluated 2018-04-30.

Conditions:
ACACB-related disorder. Also called: ACACB-related condition.

Allele frequency attached by ClinVar (database versions not stated): gnomAD exomes 0.00099; ExAC 0.00114; 1000 Genomes Project 30x 0.00297; 1000 Genomes Project 0.00300; ESP Exome Variant Server 0.00315; gnomAD 0.00346 and 0.00376; TOPMed 0.00405.
gnomAD v4.1: 1,168 of 1,601,436 alleles (0.073%); highest among the groups gnomAD compares: African/African-American, 1.2%; 7 homozygotes.

Submissions (3):

Labcorp Genetics (formerly Invitae), Labcorp
Classification: Benign. Last evaluated: 2018-04-30. Review status: criteria provided, single submitter. Criteria: Invitae Variant Classification Sherloc (09022015). Collection method: clinical testing. Allele origin: germline.

Breakthrough Genomics
Classification: Benign. Review status: criteria provided, single submitter. Criteria: ACMG Guidelines, 2015. Collection method: not provided. Allele origin: germline. Inheritance: Unknown mechanism. Affected: yes.

PreventionGenetics, part of Exact Sciences
Classification: Benign for ACACB-related condition. Last evaluated: 2019-08-01. Review status: no assertion criteria provided. Collection method: clinical testing. Allele origin: germline. Not counted in ClinVar's aggregate classification.
Comment: This variant is classified as benign based on ACMG/AMP sequence variant interpretation guidelines (Richards et al. 2015 PMID: 25741868, with internal and published modifications).